The following is an entry in ClinVar:

ClinVar aggregate classification (germline): Pathogenic/Likely pathogenic. Review status: criteria provided, multiple submitters, no conflicts (2 of 4 stars). 2 submissions from 2 submitters: Pathogenic (1); Likely pathogenic (1). Last evaluated 2025-09-24.

Conditions:
MHC class II deficiency. Also called: Bare lymphocyte syndrome 2; BLS, TYPE II. Identifiers: Orphanet 572, MedGen C5447452, MONDO:0008855.
MHC class II deficiency 1 (MHC2D1). Also called: SCID, HLA CLASS II-NEGATIVE; Bare lymphocyte syndrome type 2, complementation group A; BARE LYMPHOCYTE SYNDROME, TYPE II, COMPLEMENTATION GROUP A. Identifiers: MedGen C1859534, MONDO:0971005, OMIM 209920.

Submissions (2):

Genesolutions, Medical Genetics Institutes, Ho Chi Minh City, Vietnam
Classification: Pathogenic for MHC class II deficiency 1. Last evaluated: 2025-09-24. Review status: criteria provided, single submitter. Criteria: ACMG Guidelines, 2015. Collection method: clinical testing. Allele origin: germline. Affected: yes.

Labcorp Genetics (formerly Invitae), Labcorp
Classification: Likely pathogenic for MHC class II deficiency. Last evaluated: 2021-07-06. Review status: criteria provided, single submitter. Criteria: Invitae Variant Classification Sherloc (09022015). Collection method: clinical testing. Allele origin: germline.
Comment: In summary, the currently available evidence indicates that the variant is pathogenic, but additional data are needed to prove that conclusively. Therefore, this variant has been classified as Likely Pathogenic. Algorithms developed to predict the effect of sequence changes on RNA splicing suggest that this variant may disrupt the consensus splice site. This variant has not been reported in the literature in individuals affected with CIITA-related conditions. This variant is not present in population databases (ExAC no frequency). This sequence change affects an acceptor splice site in intron 13 of the CIITA gene. It is expected to disrupt RNA splicing. Variants that disrupt the donor or acceptor splice site typically lead to a loss of protein function (PMID: 16199547), and loss-of-function variants in CIITA are known to be pathogenic (PMID: 8402893, 9099848, 26271388).

Literature cited by the submitters: PubMed 16199547 (cited by Labcorp Genetics (formerly Invitae), Labcorp); PubMed 8402893 (cited by Labcorp Genetics (formerly Invitae), Labcorp); PubMed 9099848 (cited by Labcorp Genetics (formerly Invitae), Labcorp); PubMed 26271388 (cited by Labcorp Genetics (formerly Invitae), Labcorp).

NM_000246.4(CIITA):c.2889-1G>T

Gene: CIITA (class II major histocompatibility complex transactivator; plus strand). Cytogenetic location: 16p13.13.
Variant type: single nucleotide variant.
Coding change: c.2889-1G>T on transcript NM_000246.4 (MANE Select); the canonical splice acceptor site of the intron before coding-DNA position 2889, G replaced by T.
Molecular consequence: splice acceptor variant.
Genome position (GRCh38, 1-based): chr16:10,915,569, G>T. VCF-style: chr16-10915569-G-T. GRCh37 (hg19) VCF-style: chr16-11009426-G-T.
Other names: c.2892-1G>T (NM_001286402.1, NM_001379332.1); c.2745-1G>T (NM_001379330.1); c.2889-1G>T (NM_001379333.1); c.2742-1G>T (NM_001379331.1); c.1137-1G>T (NM_001286403.2); c.2820-1G>T (NM_001379334.1).
Identifiers: ClinVar variation 1497267 (VCV001497267.7), dbSNP rs748505119, ClinGen allele CA394721757.